The following is an entry in ClinVar:

NM_015107.3(PHF8):c.1916C>T (p.Pro639Leu)

Gene: PHF8 (PHD finger protein 8; minus strand). Cytogenetic location: Xp11.22.
Variant type: single nucleotide variant.
Coding change: c.1916C>T on transcript NM_015107.3 (MANE Select); coding-DNA position 1916, C replaced by T.
Protein change: p.Pro639Leu; replaces proline 639 with leucine.
Molecular consequence: missense variant.
Genome position (GRCh38, 1-based): chrX:53,987,157, G>A on the plus strand (C>T on the coding strand, the complement: PHF8 is on the minus strand). VCF-style: chrX-53987157-G-A. GRCh37 (hg19) VCF-style: chrX-54013590-G-A.
Other names: c.2024C>T, p.Pro675Leu (NM_001184896.1); c.1613C>T, p.Pro538Leu (NM_001184897.2); c.1916C>T, p.Pro639Leu (NM_001184898.2); short protein forms P538L, P639L, P675L.
Identifiers: ClinVar variation 1306519 (VCV001306519.2), dbSNP rs2149830708, ClinGen allele CA413255037.

ClinVar aggregate classification (germline): Uncertain significance (1 of 4 stars; one submission).

Submission:

GeneDx
Classification: Uncertain significance. Last evaluated: 2019-02-26. Review status: criteria provided, single submitter. Criteria: GeneDx Variant Classification Process June 2021. Collection method: clinical testing. Allele origin: germline. Affected: yes.
Comment: Not observed in large population cohorts (Lek et al., 2016); In silico analysis, which includes protein predictors and evolutionary conservation, supports a deleterious effect; Has not been previously published as pathogenic or benign to our knowledge